The following is an entry in ClinVar:

NM_001164508.2(NEB):c.16908+3_16908+6del

Gene: NEB (nebulin; minus strand). Cytogenetic location: 2q23.3.
Variant type: Deletion.
Coding change: c.16908+3_16908+6del on transcript NM_001164508.2 (MANE Select); bases 3 to 6 of the intron after coding-DNA position 16908, 4 bases deleted (GAGT; older notation c.16908+3_16908+6delGAGT).
Molecular consequence: splice donor variant.
Genome position (GRCh38, 1-based): chr2:151,576,145-151,576,148, ACTC deleted on the plus strand (GAGT on the coding strand, the reverse complement: NEB is on the minus strand); deleting any 4 consecutive bases within chr2:151,576,145-151,576,150 gives the same sequence; the c. name uses the placement nearest the transcript's 3' end. VCF-style (leftmost placement, unchanged base first): chr2-151576144-AACTC-A. GRCh37 (hg19) VCF-style: chr2-152432658-AACTC-A.
Other names: c.11805+3_11805+6del (NM_004543.5); c.16908+3_16908+6del (NM_001164507.2, NM_001271208.2).
Identifiers: ClinVar variation 2196097 (VCV002196097.3), dbSNP rs776479739, ClinGen allele CA1908355.

ClinVar aggregate classification (germline): Uncertain significance (1 of 4 stars; one submission).

Conditions:
Nemaline myopathy 2 (NEM2). Also called: Nemaline myopathy 2, autosomal recessive. Identifiers: MedGen C1850569, MONDO:0009725, OMIM 256030.

Submission:

Labcorp Genetics (formerly Invitae), Labcorp
Classification: Uncertain significance for Nemaline myopathy 2. Last evaluated: 2024-10-15. Review status: criteria provided, single submitter. Criteria: Invitae Variant Classification Sherloc (09022015). Collection method: clinical testing. Allele origin: germline.
Comment: This sequence change falls in intron 106 of the NEB gene. It does not directly change the encoded amino acid sequence of the NEB protein. It affects a nucleotide within the consensus splice site. This variant is present in population databases (rs776479739, gnomAD 0.007%). This variant has not been reported in the literature in individuals affected with NEB-related conditions. ClinVar contains an entry for this variant (Variation ID: 2196097). Variants that disrupt the consensus splice site are a relatively common cause of aberrant splicing (PMID: 17576681, 9536098). Algorithms developed to predict the effect of sequence changes on RNA splicing suggest that this variant may disrupt the consensus splice site. In summary, the available evidence is currently insufficient to determine the role of this variant in disease. Therefore, it has been classified as a Variant of Uncertain Significance.

Literature cited by the submitters: PubMed 17576681; PubMed 9536098.